The following is an entry in ClinVar:

NM_000540.3(RYR1):c.11871dup (p.Lys3958Ter)

Gene: RYR1 (ryanodine receptor 1; plus strand). Cytogenetic location: 19q13.2.
Variant type: Duplication.
Coding change: c.11871dup on transcript NM_000540.3 (MANE Select); coding-DNA position 11871, one base duplicated (T; older notation c.11871dupT).
Protein change: p.Lys3958Ter; replaces lysine 3958 with a stop codon.
Molecular consequence: nonsense.
Genome position (GRCh38, 1-based): chr19:38,543,624, T duplicated. VCF-style (leftmost placement, unchanged base first): chr19-38543623-C-CT. GRCh37 (hg19) VCF-style: chr19-39034263-C-CT.
Other names: c.11856dup, p.Lys3953Ter (NM_001042723.2); short protein forms K3953*, K3958*.
Identifiers: ClinVar variation 2771296 (VCV002771296.3), dbSNP rs2514577444, ClinGen allele CA2697556582.

ClinVar aggregate classification (germline): Pathogenic (1 of 4 stars; one submission).

Conditions:
RYR1-related disorder. Also called: RYR1-related condition; RYR1-related disorders. Identifiers: MedGen CN239331.

Submission:

Labcorp Genetics (formerly Invitae), Labcorp
Classification: Pathogenic for RYR1-related disorder. Last evaluated: 2023-10-23. Review status: criteria provided, single submitter. Criteria: Invitae Variant Classification Sherloc (09022015). Collection method: clinical testing. Allele origin: germline.
Comment: This sequence change creates a premature translational stop signal (p.Lys3958*) in the RYR1 gene. It is expected to result in an absent or disrupted protein product. Loss-of-function variants in RYR1 are known to be pathogenic (PMID: 23919265, 25960145, 28818389, 30611313). This variant is not present in population databases (gnomAD no frequency). This variant has not been reported in the literature in individuals affected with RYR1-related conditions. For these reasons, this variant has been classified as Pathogenic.

Literature cited by the submitters: PubMed 23919265; PubMed 25960145; PubMed 28818389; PubMed 30611313.